The following is an entry in ClinVar:

ClinVar aggregate classification (germline): Uncertain significance (0 of 4 stars; one submission).

Conditions:
SYNE2-related disorder. Also called: SYNE2-related condition.

Submission:

PreventionGenetics, part of Exact Sciences
Classification: Uncertain significance for SYNE2-related condition. Last evaluated: 2024-05-23. Review status: no assertion criteria provided. Collection method: clinical testing. Allele origin: germline.
Comment: The SYNE2 c.3424T>C variant is predicted to result in the amino acid substitution p.Ser1142Pro. To our knowledge, this variant has not been reported in the literature or in gnomAD, indicating this variant is rare. At this time, the clinical significance of this variant is uncertain due to the absence of conclusive functional and genetic evidence.

NM_182914.3(SYNE2):c.3424T>C (p.Ser1142Pro)

Gene: SYNE2 (spectrin repeat containing nuclear envelope protein 2; plus strand). Cytogenetic location: 14q23.2.
Variant type: single nucleotide variant.
Coding change: c.3424T>C on transcript NM_182914.3 (MANE Select); coding-DNA position 3424, T replaced by C.
Protein change: p.Ser1142Pro; replaces serine 1142 with proline.
Molecular consequence: missense variant.
Genome position (GRCh38, 1-based): chr14:63,998,984, T>C. VCF-style: chr14-63998984-T-C. GRCh37 (hg19) VCF-style: chr14-64465702-T-C.
Other names: c.3424T>C, p.Ser1142Pro (NM_015180.6); short protein forms S1142P.
Identifiers: ClinVar variation 3346249 (VCV003346249.1).